The following is an entry in ClinVar:

NM_000140.5(FECH):c.1147G>A (p.Asp383Asn)

Gene: FECH (ferrochelatase; minus strand). Cytogenetic location: 18q21.31.
Variant type: single nucleotide variant.
Coding change: c.1147G>A on transcript NM_000140.5 (MANE Select); coding-DNA position 1147, G replaced by A.
Protein change: p.Asp383Asn; replaces aspartic acid 383 with asparagine.
Molecular consequence: missense variant.
Genome position (GRCh38, 1-based): chr18:57,550,837, C>T on the plus strand (G>A on the coding strand, the complement: FECH is on the minus strand). VCF-style: chr18-57550837-C-T. GRCh37 (hg19) VCF-style: chr18-55218069-C-T.
Other names: c.1165G>A, p.Asp389Asn (NM_001012515.4); c.1048G>A, p.Asp350Asn (NM_001371094.1); c.931G>A, p.Asp311Asn (NM_001371095.1); c.1087G>A, p.Asp363Asn (NM_001374778.1); short protein forms D311N, D363N, D389N, D350N, D383N.
Identifiers: ClinVar variation 1519136 (VCV001519136.8), dbSNP rs769047929, ClinGen allele CA8972961.

ClinVar aggregate classification (germline): Uncertain significance (1 of 4 stars; one submission).

Allele frequency attached by ClinVar (database versions not stated): gnomAD exomes 0.00002; TOPMed 0.00002; ExAC 0.00003; gnomAD 0.00004.

Submission:

Labcorp Genetics (formerly Invitae), Labcorp
Classification: Uncertain significance. Last evaluated: 2021-04-05. Review status: criteria provided, single submitter. Criteria: Invitae Variant Classification Sherloc (09022015). Collection method: clinical testing. Allele origin: germline.
Comment: This variant is present in population databases (rs769047929, ExAC 0.02%). In summary, the available evidence is currently insufficient to determine the role of this variant in disease. Therefore, it has been classified as a Variant of Uncertain Significance. Algorithms developed to predict the effect of missense changes on protein structure and function are either unavailable or do not agree on the potential impact of this missense change (SIFT: "Tolerated"; PolyPhen-2: "Probably Damaging"; Align-GVGD: "Class C0"). This variant has not been reported in the literature in individuals with FECH-related conditions. This sequence change replaces aspartic acid with asparagine at codon 383 of the FECH protein (p.Asp383Asn). The aspartic acid residue is moderately conserved and there is a small physicochemical difference between aspartic acid and asparagine.